The following is an entry in ClinVar:

ClinVar aggregate classification (germline): Uncertain significance. Review status: criteria provided, multiple submitters, no conflicts (2 of 4 stars). 2 submissions from 2 submitters: Uncertain significance (2). Last evaluated 2025-11-08.

Conditions:
Fibrous dysplasia of jaw (CRBM). Also called: Cherubism. Identifiers: Orphanet 184, MedGen C0008029, MONDO:0007315, OMIM 118400.
Inborn genetic diseases. Identifiers: MedGen C0950123, MeSH D030342.

gnomAD v4.1: 6 of 1,612,548 alleles (0.00037%); highest among the groups gnomAD compares: Middle Eastern, 0.017%; no homozygotes.

Submissions (2):

Ambry Genetics
Classification: Uncertain significance for Inborn genetic diseases. Last evaluated: 2025-11-08. Review status: criteria provided, single submitter. Criteria: Ambry Variant Classification Scheme 2023. Collection method: clinical testing. Allele origin: germline.

Labcorp Genetics (formerly Invitae), Labcorp
Classification: Uncertain significance for Fibrous dysplasia of jaw. Last evaluated: 2025-06-02. Review status: criteria provided, single submitter. Criteria: Invitae Variant Classification Sherloc (09022015). Collection method: clinical testing. Allele origin: germline.
Comment: This sequence change replaces threonine, which is neutral and polar, with serine, which is neutral and polar, at codon 273 of the SH3BP2 protein (p.Thr273Ser). This variant is present in population databases (rs759670540, gnomAD 0.0009%). This variant has not been reported in the literature in individuals affected with SH3BP2-related conditions. Invitae Evidence Modeling of protein sequence and biophysical properties (such as structural, functional, and spatial information, amino acid conservation, physicochemical variation, residue mobility, and thermodynamic stability) indicates that this missense variant is not expected to disrupt SH3BP2 protein function with a negative predictive value of 80%. In summary, the available evidence is currently insufficient to determine the role of this variant in disease. Therefore, it has been classified as a Variant of Uncertain Significance.

NM_001122681.2(SH3BP2):c.818C>G (p.Thr273Ser)

Gene: SH3BP2 (SH3 domain binding protein 2; plus strand). Cytogenetic location: 4p16.3.
Variant type: single nucleotide variant.
Coding change: c.818C>G on transcript NM_001122681.2 (MANE Select); coding-DNA position 818, C replaced by G.
Protein change: p.Thr273Ser; replaces threonine 273 with serine.
Molecular consequence: missense variant.
Genome position (GRCh38, 1-based): chr4:2,829,724, C>G. VCF-style: chr4-2829724-C-G. GRCh37 (hg19) VCF-style: chr4-2831451-C-G.
Other names: c.902C>G, p.Thr301Ser (NM_001145855.2); c.989C>G, p.Thr330Ser (NM_001145856.2); c.818C>G, p.Thr273Ser (NM_003023.4); short protein forms T301S, T273S, T330S.
Identifiers: ClinVar variation 4630796 (VCV004630796.2).